The following is an entry in ClinVar:

NM_005609.4(PYGM):c.1403+2T>C

Gene: PYGM (glycogen phosphorylase, muscle associated; minus strand). Cytogenetic location: 11q13.1.
Variant type: single nucleotide variant.
Coding change: c.1403+2T>C on transcript NM_005609.4 (MANE Select); the canonical splice donor site of the intron after coding-DNA position 1403, T replaced by C.
Molecular consequence: splice donor variant.
Genome position (GRCh38, 1-based): chr11:64,753,517, A>G on the plus strand (T>C on the coding strand, the complement: PYGM is on the minus strand). VCF-style: chr11-64753517-A-G. GRCh37 (hg19) VCF-style: chr11-64520989-A-G.
Other names: c.1139+2T>C (NM_001164716.1).
Identifiers: ClinVar variation 4815429 (VCV004815429.1).

ClinVar aggregate classification (germline): Pathogenic (1 of 4 stars; one submission).

Conditions:
Glycogen storage disease, type V (GSD5). Also called: MCARDLE DISEASE; MUSCLE GLYCOGEN PHOSPHORYLASE DEFICIENCY; MYOPHOSPHORYLASE DEFICIENCY; PYGM DEFICIENCY; McArdle type glycogen storage disease. Identifiers: Orphanet 368, MedGen C0017924, MONDO:0009293, OMIM 232600.

Submission:

Natera, Inc.
Classification: Pathogenic for Glycogen storage disease V. Last evaluated: 2024-09-30. Review status: criteria provided, single submitter. Criteria: Natera Variant Classification Schema (03/2026). Collection method: clinical testing. Allele origin: germline.
Comment: The c.1403+2T>C variant in PYGM is a canonical splice donor site variant predicted to affect pre-mRNA splicing, which may result in an abnormal transcript and altered protein product. This variant is expected to result in nonsense mediated decay, truncation, or a dysfunctional protein product. This variant is rare in the general population with a frequency below the threshold expected for the associated phenotype(s). Another variant at this same site results in an alteration predicted to cause a similar molecular effect has been observed in individual(s) with the associated phenotype. Given the available evidence, this variant is classified as Pathogenic.